The following is an entry in ClinVar:

NM_005070.4(SLC4A3):c.3066C>T (p.Ser1022=)

Gene: SLC4A3 (solute carrier family 4 member 3; plus strand). Cytogenetic location: 2q35.
Variant type: single nucleotide variant.
Coding change: c.3066C>T on transcript NM_005070.4 (MANE Select); coding-DNA position 3066, C replaced by T.
Protein change: p.Ser1022=; no amino-acid change (serine 1022 retained).
Molecular consequence: synonymous variant. On other transcripts: non-coding transcript variant (1).
Genome position (GRCh38, 1-based): chr2:219,639,524, C>T. VCF-style: chr2-219639524-C-T. GRCh37 (hg19) VCF-style: chr2-220504246-C-T.
Other names: c.3147C>T, p.Ser1049= (NM_001326559.2, NM_201574.3).
Identifiers: ClinVar variation 64556 (VCV000064556.2), dbSNP rs376572581, ClinGen allele CA216397.

ClinVar aggregate classification (germline): Uncertain significance (0 of 4 stars; one submission).

Allele frequency attached by ClinVar (database versions not stated): TOPMed 0.00011; gnomAD exomes 0.00027; ESP Exome Variant Server 0.00008; gnomAD 0.00006; 1000 Genomes Project 30x 0.00016; ExAC 0.00031; 1000 Genomes Project 0.00020.
gnomAD v4.1: 255 of 1,613,974 alleles (0.016%); highest among the groups gnomAD compares: South Asian, 0.12%; 2 homozygotes.

Submission:

Martin Pollak Laboratory,  Beth Israel Deaconess Medical Center
Classification: Uncertain significance. Review status: no assertion criteria provided. Collection method: not provided. Allele origin: unknown.
Comment: Higher UCa2+ group
ClinVar note: Converted during submission from unknown to Uncertain significance.